The following is an entry in ClinVar:

NC_000006.12:g.19045329_19048542del

Variant type: Deletion.
Genome position: GRCh38: chr6:19,045,329-19,048,542. GRCh37 (hg19): chr6:19,045,560-19,048,773.
Identifiers: ClinVar variation 157000 (VCV000157000.3), ClinGen allele CA212136.

ClinVar aggregate classification (germline): not provided. Review status: no classification provided (0 of 4 stars). 2 submissions from 1 submitter: not provided (2).

Conditions:
Normal pregnancy. Identifiers: MedGen C0232989.
Preeclampsia. Identifiers: Orphanet 275555, MedGen C0032914, MONDO:0005081, HP:0100602.

Submissions (2):

Institute of Molecular and Cell Biology, University of Tartu
No classification provided. Condition: Normal pregnancy. Review status: no classification provided. Collection method: case-control. Allele origin: unknown. Affected: yes. Study: Kasak2014.
Comment: The study aimed to determine the contribution of copy number variants in the genetic etiology of normal and complicated pregnancies. The samples represented (i) maternal blood DNA drawn from healthy pregnant women during 1st or 2nd trimester and (ii) maternal and paternal blood DNA drawn at term pregnancy cases representing normal and complicated gestations (severe preeclampsia, PE; gestational diabetes, GD; small-for-gestational age newborn, SGA; large-for-gestational age newborn, LGA). We performed CNV calling based on genome-wide genotyping dataset (Illumina HumanOmniExpress-24-v1 BeadChip) by applying three algorithms, QuantiSNP, GADA (Genome Alteration Detection Algorithm) and CNstream in parallel. The acquired CNV calls were merged with HD-CNV (Hotspot Detector for Copy Number Variants) program and only the CNVs predicted by at least two programs, were considered in subsequent analysis.

Institute of Molecular and Cell Biology, University of Tartu
No classification provided. Condition: Preeclampsia. Review status: no classification provided. Collection method: case-control. Allele origin: unknown. Affected: yes. Study: Kasak2014.
Comment: the same text as in the submission from Institute of Molecular and Cell Biology, University of Tartu above.

Literature cited by the submitters: PubMed 25666259.